The following is an entry in ClinVar:

ClinVar aggregate classification (germline): Likely pathogenic (1 of 4 stars; one submission).

Conditions:
Usher syndrome. Also called: Usher Syndromes; Usher's syndrome. Identifiers: Orphanet 886, MedGen CN469326, MeSH D052245, MONDO:0019501. Disease mechanism: loss of function.

Submission:

Women's Health and Genetics/Laboratory Corporation of America, LabCorp
Classification: Likely pathogenic for Retinitis pigmentosa-deafness syndrome. Last evaluated: 2022-08-24. Review status: criteria provided, single submitter. Criteria: LabCorp Variant Classification Summary - May 2015. Collection method: clinical testing. Allele origin: germline.
Comment: Variant summary: The variant identified by MLPA or other technology involves the duplication of exons 79-83 in the ADGRV1 gene. A presumed nomenclature of c.(17019+1_17020-1)_(17856+1_17857-1)dup has been designated for the purposes of this classification. It has been assumed that this is a tandem duplication in direct orientation (Richardson_GIM_2018, Newman_AJHG_2015). Although exact breakpoints of this duplication are not known, it is expected to result in a large in-frame duplication change in the ADGRV1 gene. The variant was absent in 21694 control chromosomes (gnomAD database, Structural Variants dataset). The variant has been reported in the literature in at least 3 individuals affected with Usher Syndrome, described in homozygous state, or together with a second (likely) pathogenic variant (Besnard_2012, Aparisi_2014, Fuster-Garcia_2018), although parental testing was not reported to be performed to determine the phase of these variants. These data indicate that the variant is likely to be associated with disease. To our knowledge, no experimental evidence demonstrating an impact on protein function has been reported. One clinical diagnostic laboratory has submitted clinical-significance assessments for this variant to ClinVar after 2014, and classified the variant as likely pathogenic. Based on the evidence outlined above, the variant was classified as likely pathogenic.

Literature cited by the submitters: PubMed 30459346; PubMed 22147658; PubMed 25404053.

NC_000005.9:g.(90136803_90144453)_(90159675_90261231)dup

Gene: ADGRV1 (adhesion G protein-coupled receptor V1; plus strand). Cytogenetic location: 5q14.3.
Variant type: Duplication.
Identifiers: ClinVar variation 1705193 (VCV001705193.1).